The following is an entry in ClinVar:

ClinVar aggregate classification (germline): Uncertain significance (1 of 4 stars; one submission).

Allele frequency attached by ClinVar (database versions not stated): TOPMed below 0.00001; ExAC 0.00001; gnomAD 0.00001.
gnomAD v4.1: 2 of 1,613,704 alleles (0.00012%); highest among the groups gnomAD compares: African/African-American, 0.0027%; no homozygotes.

Submission:

Ambry Genetics
Classification: Uncertain significance. Last evaluated: 2022-04-06. Review status: criteria provided, single submitter. Criteria: Ambry Variant Classification Scheme 2023. Collection method: clinical testing. Allele origin: germline.
Comment: The p.C492R variant (also known as c.1474T>C), located in coding exon 8 of the PKP4 gene, results from a T to C substitution at nucleotide position 1474. The cysteine at codon 492 is replaced by arginine, an amino acid with highly dissimilar properties. This amino acid position is conserved. In addition, this alteration is predicted to be tolerated by in silico analysis. Since supporting evidence is limited at this time, the clinical significance of this alteration remains unclear.

NM_003628.6(PKP4):c.1474T>C (p.Cys492Arg)

Gene: PKP4 (plakophilin 4; plus strand). Cytogenetic location: 2q24.1.
Variant type: single nucleotide variant.
Coding change: c.1474T>C on transcript NM_003628.6 (MANE Select); coding-DNA position 1474, T replaced by C.
Protein change: p.Cys492Arg; replaces cysteine 492 with arginine.
Molecular consequence: missense variant.
Genome position (GRCh38, 1-based): chr2:158,634,201, T>C. VCF-style: chr2-158634201-T-C. GRCh37 (hg19) VCF-style: chr2-159490713-T-C.
Other names: c.1474T>C, p.Cys492Arg (NM_001005476.4, NM_001304971.2, NM_001377218.1 and 1 more transcripts); c.1471T>C, p.Cys491Arg (NM_001304969.3, NM_001377219.1, NM_001377220.1 and 2 more transcripts); c.445T>C, p.Cys149Arg (NM_001304970.3); c.1468T>C, p.Cys490Arg (NM_001377222.1, NM_001377223.1); c.1465T>C, p.Cys489Arg (NM_001377224.1); short protein forms C490R, C489R, C492R, C149R, C491R.
Identifiers: ClinVar variation 1773445 (VCV001773445.2), dbSNP rs759725040, ClinGen allele CA1920725.
Genomic context (GRCh38, chr2:158,634,201, plus strand): 5'-CTGAACACAACAGCTACCTACGCGGAGCCCTACAGGCCTATACAATACCGAGTGCAAGAG[T>C]GCAATTATAACAGGCTTCAGCATGCAGTGCCGGCTGATGATGGCACCACAAGATCCCCAT-3'
Protein context (NP_003619.2, residues 482-502): YRPIQYRVQE[Cys492Arg]NYNRLQHAVP